The following is an entry in ClinVar:

GRCh38/hg38 19q13.2-13.31(chr19:41930894-43141456)x1

Genes: ATP1A3 (ATPase Na+/K+ transporting subunit alpha 3; minus strand), CEACAM1 (CEA cell adhesion molecule 1; minus strand), CEACAM8 (CEA cell adhesion molecule 8; minus strand), CIC (capicua transcriptional repressor; plus strand), CNFN (cornifelin; minus strand) and 92 more. Cytogenetic location: 19q13.2-13.31.
Variant type: copy number loss.
Change: copy number 1 (one copy instead of two) of chr19:41,930,894-43,141,456 (1.21 Mb, GRCh38 coordinates, 1-based), cytogenetic band 19q13.2-13.31.
Identifiers: ClinVar variation 60102 (VCV000060102.1).

ClinVar aggregate classification (germline): Pathogenic (1 of 4 stars; one submission).

Submission:

ISCA site 14
Classification: Pathogenic. Last evaluated: 2011-08-12. Review status: criteria provided, single submitter. Criteria: Kaminsky et al. (Genet Med. 2011). Collection method: clinical testing. Allele origin: de novo. Affected: yes. Observed: 1 variant allele.
Comment: Copy number variation identified through the course of routine clinical cytogenomic testing in postnatal populations. Clinical assertions have been curated as described in Kaminsky et al. 2011.